The following is an entry in ClinVar:

ClinVar aggregate classification (germline): Benign/Likely benign. Review status: criteria provided, multiple submitters, no conflicts (2 of 4 stars). 5 submissions from 5 submitters: Benign (3); Likely benign (2). Last evaluated 2026-02-04.

Conditions:
Werner syndrome (WRN). Identifiers: Orphanet 902, MedGen C0043119, MONDO:0010196, OMIM 277700.

Submissions (6):

Labcorp Genetics (formerly Invitae), Labcorp
Classification: Benign for Werner syndrome. Last evaluated: 2026-02-04. Review status: criteria provided, single submitter. Criteria: Invitae Variant Classification Sherloc (09022015). Collection method: clinical testing. Allele origin: germline.

Blueprint Genetics
Classification: Likely benign. Last evaluated: 2024-11-27. Review status: criteria provided, single submitter. Criteria: ACMG Guidelines, 2015. Collection method: clinical testing. Allele origin: germline.

Genome-Nilou Lab
Classification: Benign for Werner syndrome. Last evaluated: 2021-12-05. Review status: criteria provided, single submitter. Criteria: ACMG Guidelines, 2015. Collection method: clinical testing. Allele origin: germline. Affected: no.

GeneDx
Classification: Likely benign. Last evaluated: 2018-04-09. Review status: criteria provided, single submitter. Criteria: GeneDx Variant Classification (06012015). Collection method: clinical testing. Allele origin: germline. Affected: yes.
Comment: This variant is considered likely benign or benign based on one or more of the following criteria: it is a conservative change, it occurs at a poorly conserved position in the protein, it is predicted to be benign by multiple in silico algorithms, and/or has population frequency not consistent with disease.

PreventionGenetics, part of Exact Sciences
Classification: Benign. Review status: criteria provided, single submitter. Criteria: ACMG Guidelines, 2015. Collection method: clinical testing. Allele origin: germline.

Dr. Peter K. Rogan Lab, Western University
No classification provided (evidence only). Condition: Familial cancer of breast. Review status: no classification provided. Collection method: in vitro. Allele origin: not applicable. Functional consequence: retained intron. Not counted in ClinVar's aggregate classification.

NM_000553.6(WRN):c.1982-5del

Gene: WRN (WRN RecQ like helicase; plus strand). Cytogenetic location: 8p12.
Variant type: Deletion.
Coding change: c.1982-5del on transcript NM_000553.6 (MANE Select); 5 bases into the intron before coding-DNA position 1982, one base deleted (T; older notation c.1982-5delT).
Molecular consequence: intron variant.
Genome position (GRCh38, 1-based): chr8:31,100,844, T deleted; the last of 7 consecutive T bases (chr8:31,100,838-31,100,844); deleting any one gives the same sequence. VCF-style (leftmost placement, unchanged base first): chr8-31100837-CT-C. GRCh37 (hg19) VCF-style: chr8-30958353-CT-C.
Other names: c.1982-5delT (NM_000553.4).
Identifiers: ClinVar variation 256707 (VCV000256707.16), dbSNP rs397723919, ClinGen allele CA4704590.